The following is an entry in ClinVar:

NM_015512.5(DNAH1):c.284G>A (p.Arg95His)

Gene: DNAH1 (dynein axonemal heavy chain 1; plus strand). Cytogenetic location: 3p21.1.
Variant type: single nucleotide variant.
Coding change: c.284G>A on transcript NM_015512.5 (MANE Select); coding-DNA position 284, G replaced by A.
Protein change: p.Arg95His; replaces arginine 95 with histidine.
Molecular consequence: missense variant.
Genome position (GRCh38, 1-based): chr3:52,322,726, G>A. VCF-style: chr3-52322726-G-A. GRCh37 (hg19) VCF-style: chr3-52356742-G-A.
Other names: c.284G>A (NM_015512.4); short protein forms R95H.
Identifiers: ClinVar variation 3762332 (VCV003762332.3).
Genomic context (GRCh38, chr3:52,322,726, plus strand): 5'-GGCAGCCACGGAAGTCACCCCTGACAGGCACTGATAAGAAGTACCCGCTGATGAAGCAGC[G>A]TGGGTTCTACTCCGACATCCTCAGCCCTGGAACCTTAGATCAACTTGGGGTGAGTATGGC-3'
Protein context (NP_056327.4, residues 85-105): TDKKYPLMKQ[Arg95His]GFYSDILSPG

ClinVar aggregate classification (germline): Uncertain significance. Review status: criteria provided, multiple submitters, no conflicts (2 of 4 stars). 3 submissions from 3 submitters: Uncertain significance (3). Last evaluated 2025-07-31.

Conditions:
Spermatogenic failure 18. Identifiers: MedGen C4539783, MONDO:0054615, OMIM 617576.
Ciliary dyskinesia, primary, 37 (CILD37). Also called: CILIARY DYSKINESIA, PRIMARY, 37, WITH OR WITHOUT SITUS INVERSUS. Identifiers: MedGen C4539798, MONDO:0033204, OMIM 617577.

gnomAD v4.1: 25 of 1,612,628 alleles (0.0016%); highest among the groups gnomAD compares: South Asian, 0.0022%; no homozygotes.

Submissions (3):

Ambry Genetics
Classification: Uncertain significance. Last evaluated: 2025-07-31. Review status: criteria provided, single submitter. Criteria: Ambry Variant Classification Scheme 2023. Collection method: clinical testing. Allele origin: germline.

Labcorp Genetics (formerly Invitae), Labcorp
Classification: Uncertain significance for Ciliary dyskinesia, primary, 37; Spermatogenic failure 18. Last evaluated: 2024-09-17. Review status: criteria provided, single submitter. Criteria: Invitae Variant Classification Sherloc (09022015). Collection method: clinical testing. Allele origin: germline.
Comment: This sequence change replaces arginine, which is basic and polar, with histidine, which is basic and polar, at codon 95 of the DNAH1 protein (p.Arg95His). This variant is present in population databases (rs376341450, gnomAD 0.004%). This variant has not been reported in the literature in individuals affected with DNAH1-related conditions. An algorithm developed to predict the effect of missense changes on protein structure and function (PolyPhen-2) suggests that this variant¬¨‚Ä†is likely to be tolerated. In summary, the available evidence is currently insufficient to determine the role of this variant in disease. Therefore, it has been classified as a Variant of Uncertain Significance.

Blueprint Genetics
Classification: Uncertain significance. Last evaluated: 2021-05-12. Review status: criteria provided, single submitter. Criteria: ACMG Guidelines, 2015. Collection method: clinical testing. Allele origin: germline.